The following is an entry in ClinVar:

NM_002691.4(POLD1):c.1354G>T (p.Val452Leu)

Gene: POLD1 (DNA polymerase delta 1, catalytic subunit; plus strand). Cytogenetic location: 19q13.33.
Variant type: single nucleotide variant.
Coding change: c.1354G>T on transcript NM_002691.4 (MANE Select); coding-DNA position 1354, G replaced by T.
Protein change: p.Val452Leu; replaces valine 452 with leucine.
Molecular consequence: missense variant. On other transcripts: non-coding transcript variant (1).
Genome position (GRCh38, 1-based): chr19:50,406,293, G>T. VCF-style: chr19-50406293-G-T. GRCh37 (hg19) VCF-style: chr19-50909550-G-T.
Other names: c.1354G>T, p.Val452Leu (NM_001256849.1, NM_001308632.1); short protein forms V452L.
Identifiers: ClinVar variation 2578186 (VCV002578186.1), dbSNP rs1601215811, ClinGen allele CA406979938.

ClinVar aggregate classification (germline): Uncertain significance (1 of 4 stars; one submission).

Submission:

GeneDx
Classification: Uncertain significance. Last evaluated: 2023-03-03. Review status: criteria provided, single submitter. Criteria: GeneDx Variant Classification Process June 2021. Collection method: clinical testing. Allele origin: germline. Affected: yes.
Comment: Not observed at significant frequency in large population cohorts (gnomAD); In silico analysis supports that this missense variant does not alter protein structure/function; Has not been previously published as pathogenic or benign to our knowledge; This variant is associated with the following publications: (PMID: 20951805)